The following is an entry in ClinVar:

ClinVar aggregate classification (germline): Uncertain significance (1 of 4 stars; one submission).

Submission:

GeneDx
Classification: Uncertain significance. Last evaluated: 2026-08-09. Review status: criteria provided, single submitter. Criteria: GeneDx Variant Classification Process June 2021. Collection method: clinical testing. Allele origin: germline.
Comment: Not observed at significant frequency in large population cohorts (gnomAD); In silico analysis supports that this missense variant has a deleterious effect on protein structure/function; Not located in the triple helical region, where the majority of pathogenic missense variants occur (HGMD); Has not been previously published as pathogenic or benign to our knowledge; Also known as p.(H1088Y)

NM_000088.4(COL1A1):c.3796C>T (p.His1266Tyr)

Gene: COL1A1 (collagen type I alpha 1 chain; minus strand). Cytogenetic location: 17q21.33.
Variant type: single nucleotide variant.
Coding change: c.3796C>T on transcript NM_000088.4 (MANE Select); coding-DNA position 3796, C replaced by T.
Protein change: p.His1266Tyr; replaces histidine 1266 with tyrosine.
Molecular consequence: missense variant.
Genome position (GRCh38, 1-based): chr17:50,186,658, G>A on the plus strand (C>T on the coding strand, the complement: COL1A1 is on the minus strand). VCF-style: chr17-50186658-G-A. GRCh37 (hg19) VCF-style: chr17-48264019-G-A.
Other names: short protein forms H1266Y.
Identifiers: ClinVar variation 4540353 (VCV004540353.2).